The following is an entry in ClinVar:

NM_001039141.3(TRIOBP):c.7078C>A (p.Arg2360Ser)

Gene: TRIOBP (TRIO and F-actin binding protein; plus strand). Cytogenetic location: 22q13.1.
Variant type: single nucleotide variant.
Coding change: c.7078C>A on transcript NM_001039141.3 (MANE Select); coding-DNA position 7078, C replaced by A.
Protein change: p.Arg2360Ser; replaces arginine 2360 with serine.
Molecular consequence: missense variant.
Genome position (GRCh38, 1-based): chr22:37,772,742, C>A. VCF-style: chr22-37772742-C-A. GRCh37 (hg19) VCF-style: chr22-38168749-C-A.
Other names: c.1939C>A, p.Arg647Ser (NM_007032.5); short protein forms R647S, R2360S.
Identifiers: ClinVar variation 1912284 (VCV001912284.5), dbSNP rs371230470, ClinGen allele CA10225341.

ClinVar aggregate classification (germline): Uncertain significance (1 of 4 stars; one submission).

gnomAD v4.1: 6 of 1,613,612 alleles (0.00037%); highest among the groups gnomAD compares: Admixed American, 0.01%; no homozygotes.

Submission:

Labcorp Genetics (formerly Invitae), Labcorp
Classification: Uncertain significance. Last evaluated: 2022-10-12. Review status: criteria provided, single submitter. Criteria: Invitae Variant Classification Sherloc (09022015). Collection method: clinical testing. Allele origin: germline.
Comment: In summary, the available evidence is currently insufficient to determine the role of this variant in disease. Therefore, it has been classified as a Variant of Uncertain Significance. Algorithms developed to predict the effect of missense changes on protein structure and function are either unavailable or do not agree on the potential impact of this missense change (SIFT: "Tolerated"; PolyPhen-2: "Possibly Damaging"; Align-GVGD: "Class C0"). This variant has not been reported in the literature in individuals affected with TRIOBP-related conditions. This variant is present in population databases (rs371230470, gnomAD 0.01%). This sequence change replaces arginine, which is basic and polar, with serine, which is neutral and polar, at codon 2360 of the TRIOBP protein (p.Arg2360Ser).